The following is an entry in ClinVar:

NM_019842.4(KCNQ5):c.2314G>A (p.Gly772Ser)

Gene: KCNQ5 (potassium voltage-gated channel subfamily Q member 5; plus strand). Cytogenetic location: 6q13.
Variant type: single nucleotide variant.
Coding change: c.2314G>A on transcript NM_019842.4 (MANE Select); coding-DNA position 2314, G replaced by A.
Protein change: p.Gly772Ser; replaces glycine 772 with serine.
Molecular consequence: missense variant.
Genome position (GRCh38, 1-based): chr6:73,194,929, G>A. VCF-style: chr6-73194929-G-A. GRCh37 (hg19) VCF-style: chr6-73904652-G-A.
Other names: c.2287G>A, p.Gly763Ser (NM_001160130.2); c.2344G>A, p.Gly782Ser (NM_001160132.2); c.2371G>A, p.Gly791Ser (NM_001160133.2); c.1984G>A, p.Gly662Ser (NM_001160134.2); short protein forms G791S, G662S, G763S, G772S, G782S.
Identifiers: ClinVar variation 1438366 (VCV001438366.6), dbSNP rs1031767968, ClinGen allele CA140917976.

ClinVar aggregate classification (germline): Uncertain significance (1 of 4 stars; one submission).

Allele frequency attached by ClinVar (database versions not stated): gnomAD exomes below 0.00001 and 0.00001; gnomAD 0.00001; TOPMed 0.00001.
gnomAD v4.1: 22 of 1,614,034 alleles (0.0014%); highest among the groups gnomAD compares: Non-Finnish European, 0.0018%; no homozygotes.

Submission:

Labcorp Genetics (formerly Invitae), Labcorp
Classification: Uncertain significance. Last evaluated: 2025-10-10. Review status: criteria provided, single submitter. Criteria: Invitae Variant Classification Sherloc (09022015). Collection method: clinical testing. Allele origin: germline.
Comment: This sequence change replaces glycine, which is neutral and non-polar, with serine, which is neutral and polar, at codon 791 of the KCNQ5 protein (p.Gly791Ser). This variant is present in population databases (no rsID available, gnomAD 0.0009%). This variant has not been reported in the literature in individuals affected with KCNQ5-related conditions. ClinVar contains an entry for this variant (Variation ID: 1438366). Invitae Evidence Modeling of protein sequence and biophysical properties (such as structural, functional, and spatial information, amino acid conservation, physicochemical variation, residue mobility, and thermodynamic stability) indicates that this missense variant is not expected to disrupt KCNQ5 protein function with a negative predictive value of 95%. In summary, the available evidence is currently insufficient to determine the role of this variant in disease. Therefore, it has been classified as a Variant of Uncertain Significance.